The following is an entry in ClinVar:

ClinVar aggregate classification (germline): Pathogenic. Review status: reviewed by expert panel (3 of 4 stars). 6 submissions from 6 submitters: Pathogenic (1). 5 of the submissions do not count toward it. Last evaluated 2017-12-15.

Conditions:
Hereditary breast ovarian cancer syndrome. Also called: Hereditary breast and ovarian cancer; Hereditary breast and/or ovarian cancer syndrome; Hereditary breast and ovarian cancer syndrome (HBOC); Breast and ovarian cancer; BRCA1- and BRCA2-Associated Hereditary Breast and Ovarian Cancer; Hereditary breast and ovarian cancer syndrome. Identifiers: Orphanet 145, MedGen C0677776, MeSH D061325, MONDO:0003582. Disease mechanism: loss of function.
Hereditary cancer-predisposing syndrome. Also called: Neoplastic Syndromes, Hereditary; Hereditary neoplastic syndrome; Tumor predisposition; Hereditary Cancer Syndrome. Identifiers: Orphanet 140162, MedGen C0027672, MeSH D009386, MONDO:0015356.
Breast-ovarian cancer, familial, susceptibility to, 2 (BROVCA2). Also called: BRCA2 Hereditary Breast and Ovarian Cancer. Identifiers: Orphanet 145, MedGen C2675520, MONDO:0012933, OMIM 612555. Disease mechanism: loss of function.

Submissions (6):

Evidence-based Network for the Interpretation of Germline Mutant Alleles (ENIGMA)
Classification: Pathogenic for Breast-ovarian cancer, familial, susceptibility to, 2. Last evaluated: 2017-12-15. Review status: reviewed by expert panel. Criteria: ENIGMA BRCA1/2 Classification Criteria (2017-06-29). Collection method: curation. Allele origin: germline. Study: ENIGMA.
Comment: Variant allele predicted to encode a truncated non-functional protein.

Labcorp Genetics (formerly Invitae), Labcorp
Classification: Pathogenic for Hereditary breast ovarian cancer syndrome. Last evaluated: 2024-03-17. Review status: criteria provided, single submitter. Criteria: Invitae Variant Classification Sherloc (09022015). Collection method: clinical testing. Allele origin: germline. Not counted in ClinVar's aggregate classification.
Comment: This sequence change creates a premature translational stop signal (p.Pro655Glnfs*5) in the BRCA2 gene. It is expected to result in an absent or disrupted protein product. Loss-of-function variants in BRCA2 are known to be pathogenic (PMID: 20104584). This variant is not present in population databases (gnomAD no frequency). This premature translational stop signal has been observed in individual(s) with breast and/or ovarian cancer (PMID: 27914478, 31871109). ClinVar contains an entry for this variant (Variation ID: 545772). For these reasons, this variant has been classified as Pathogenic.

Ambry Genetics
Classification: Pathogenic for Hereditary cancer-predisposing syndrome. Last evaluated: 2022-05-31. Review status: criteria provided, single submitter. Criteria: Ambry Variant Classification Scheme 2023. Collection method: clinical testing. Allele origin: germline. Not counted in ClinVar's aggregate classification.
Comment: The c.1964delC pathogenic mutation, located in coding exon 10 of the BRCA2 gene, results from a deletion of one nucleotide at nucleotide position 1964, causing a translational frameshift with a predicted alternate stop codon (p.P655Qfs*5). In addition to the clinical data presented in the literature, this alteration is expected to result in loss of function by premature protein truncation or nonsense-mediated mRNA decay. As such, this alteration is interpreted as a disease-causing mutation.

GeneDx
Classification: Pathogenic. Last evaluated: 2022-03-22. Review status: criteria provided, single submitter. Criteria: GeneDx Variant Classification Process June 2021. Collection method: clinical testing. Allele origin: germline. Affected: yes. Not counted in ClinVar's aggregate classification.
Comment: Frameshift variant predicted to result in protein truncation or nonsense mediated decay in a gene for which loss of function is a known mechanism of disease; Not observed at significant frequency in large population cohorts (gnomAD); Truncating variants in this gene are considered pathogenic by a well-established clinical consortium and/or database; Observed in individuals with a personal and/or family history consistent with pathogenic variants in this gene (Maistro 2016, Adedokun 2020); Also known as 2192delC; This variant is associated with the following publications: (PMID: 27914478, 31871109)

Mendelics
Classification: Pathogenic for Breast-ovarian cancer, familial, susceptibility to, 2. Last evaluated: 2019-05-28. Review status: criteria provided, single submitter. Criteria: Mendelics Assertion Criteria 2017. Collection method: clinical testing. Allele origin: unknown. Not counted in ClinVar's aggregate classification.

Department of Pathology and Laboratory Medicine, Sinai Health System
Classification: Uncertain significance. Review status: no assertion criteria provided. Collection method: clinical testing. Allele origin: unknown. Affected: yes. Observed: 1 variant allele. Study: The Canadian Open Genetics Repository (COGR). Not counted in ClinVar's aggregate classification.

Literature cited by the submitters: PubMed 20104584 (cited by Labcorp Genetics (formerly Invitae), Labcorp); PubMed 27914478 (cited by Labcorp Genetics (formerly Invitae), Labcorp and Ambry Genetics); PubMed 31871109 (cited by Labcorp Genetics (formerly Invitae), Labcorp).

NM_000059.4(BRCA2):c.1964del (p.Pro655fs)

Gene: BRCA2 (BRCA2 DNA repair associated; plus strand). Cytogenetic location: 13q13.1.
Variant type: Deletion.
Coding change: c.1964del on transcript NM_000059.4 (MANE Select); coding-DNA position 1964, one base deleted (C; older notation c.1964delC).
Protein change: p.Pro655fs; shifts the reading frame from proline 655.
Molecular consequence: frameshift variant.
Genome position (GRCh38, 1-based): chr13:32,336,319, C deleted; the last of 2 consecutive C bases (chr13:32,336,318-32,336,319); deleting either gives the same sequence. VCF-style (leftmost placement, unchanged base first): chr13-32336317-AC-A. GRCh37 (hg19) VCF-style: chr13-32910454-AC-A.
Other names: c.1964delC (NM_000059.3); c.1964del (NM_000059.3); short protein forms P655fs.
Identifiers: ClinVar variation 545772 (VCV000545772.12), dbSNP rs1555282375, ClinGen allele CA658823605.